The following is an entry in ClinVar:

NM_006231.4(POLE):c.2259C>G (p.Phe753Leu)

Gene: POLE (DNA polymerase epsilon, catalytic subunit; minus strand). Cytogenetic location: 12q24.33.
Variant type: single nucleotide variant.
Coding change: c.2259C>G on transcript NM_006231.4 (MANE Select); coding-DNA position 2259, C replaced by G.
Protein change: p.Phe753Leu; replaces phenylalanine 753 with leucine.
Molecular consequence: missense variant.
Genome position (GRCh38, 1-based): chr12:132,667,563, G>C on the plus strand (C>G on the coding strand, the complement: POLE is on the minus strand). VCF-style: chr12-132667563-G-C. GRCh37 (hg19) VCF-style: chr12-133244149-G-C.
Other names: c.2259C>G (NM_006231.2); short protein forms F753L.
Identifiers: ClinVar variation 1499731 (VCV001499731.9), dbSNP rs2135970043, ClinGen allele CA387352193.

ClinVar aggregate classification (germline): Uncertain significance. Review status: criteria provided, multiple submitters, no conflicts (2 of 4 stars). 2 submissions from 2 submitters: Uncertain significance (2). Last evaluated 2026-03-02.

Conditions:
Hereditary cancer-predisposing syndrome. Also called: Neoplastic Syndromes, Hereditary; Tumor predisposition; Hereditary Cancer Syndrome; Hereditary neoplastic syndrome. Identifiers: Orphanet 140162, MedGen C0027672, MeSH D009386, MONDO:0015356.

Allele frequency attached by ClinVar (database versions not stated): gnomAD exomes below 0.00001.
gnomAD v4.1: 1 of 1,613,858 alleles (0.000062%); highest among the groups gnomAD compares: Non-Finnish European, 0.000085%; no homozygotes.

Submissions (2):

Ambry Genetics
Classification: Uncertain significance for Hereditary cancer-predisposing syndrome. Last evaluated: 2026-03-02. Review status: criteria provided, single submitter. Criteria: Ambry Variant Classification Scheme 2023. Collection method: clinical testing. Allele origin: germline.
Comment: The p.F753L variant (also known as c.2259C>G), located in coding exon 20 of the POLE gene, results from a C to G substitution at nucleotide position 2259. The phenylalanine at codon 753 is replaced by leucine, an amino acid with highly similar properties. This amino acid position is highly conserved in available vertebrate species. In addition, the in silico prediction for this alteration is inconclusive. Based on the available evidence, the clinical significance of this variant remains unclear.

Labcorp Genetics (formerly Invitae), Labcorp
Classification: Uncertain significance. Last evaluated: 2023-07-10. Review status: criteria provided, single submitter. Criteria: Invitae Variant Classification Sherloc (09022015). Collection method: clinical testing. Allele origin: germline.
Comment: In summary, the available evidence is currently insufficient to determine the role of this variant in disease. Therefore, it has been classified as a Variant of Uncertain Significance. Advanced modeling of protein sequence and biophysical properties (such as structural, functional, and spatial information, amino acid conservation, physicochemical variation, residue mobility, and thermodynamic stability) performed at Invitae indicates that this missense variant is expected to disrupt POLE protein function. ClinVar contains an entry for this variant (Variation ID: 1499731). This variant has not been reported in the literature in individuals affected with POLE-related conditions. This variant is not present in population databases (gnomAD no frequency). This sequence change replaces phenylalanine, which is neutral and non-polar, with leucine, which is neutral and non-polar, at codon 753 of the POLE protein (p.Phe753Leu).